The following is an entry in ClinVar:

ClinVar aggregate classification (germline): Pathogenic (1 of 4 stars; one submission).

Conditions:
Capillary malformation-arteriovenous malformation syndrome. Also called: Capillary malformation-arteriovenous malformation. Identifiers: Orphanet 137667, MedGen C1842180, MONDO:0012016.

Submission:

Laboratory for Molecular Medicine, Mass General Brigham Personalized Medicine
Classification: Pathogenic for Capillary malformation-arteriovenous malformation syndrome. Last evaluated: 2024-02-09. Review status: criteria provided, single submitter. Criteria: ACMG Guidelines, 2015. Collection method: clinical testing. Allele origin: germline. Inheritance: Autosomal dominant inheritance.
Comment: The p.Val809CysfsX26 variant in EPHB4 was identified through WGS analysis in an adult with liver arteriovenous malformation, skin telangiectasias, and epistaxis by the Broad Institute Rare Genomes Project. It was absent from large population studies. This variant is predicted to cause a frameshift, which alters the protein’s amino acid sequence beginning at position 809 and leads to a premature termination codon 26 amino acids downstream. This alteration is then predicted to lead to a truncated or absent protein. Loss of function of the EPHB4 gene is an established disease mechanism in autosomal dominant CM-AVM. In summary, this variant meets criteria to be classified as pathogenic for autosomal dominant CM-AVM. ACMG/AMP Criteria applied: PVS1, PS4_Supporting, PM2_Supporting.

NM_004444.5(EPHB4):c.2424dup (p.Val809fs)

Genes: EPHB4 (EPH receptor B4; minus strand), LOC126860124 (CDK7 strongly-dependent group 2 enhancer GRCh37_chr7:100403701-100404900; plus strand). Cytogenetic location: 7q22.1.
Variant type: Duplication.
Coding change: c.2424dup on transcript NM_004444.5 (MANE Select); coding-DNA position 2424, one base duplicated (T; older notation c.2424dupT).
Protein change: p.Val809fs; shifts the reading frame from valine 809.
Molecular consequence: frameshift variant.
Genome position (GRCh38, 1-based): chr7:100,806,480, A duplicated on the plus strand (T on the coding strand, the reverse complement: EPHB4 is on the minus strand); the first of 2 consecutive A bases (chr7:100,806,480-100,806,481); duplicating either gives the same sequence. VCF-style (leftmost placement, unchanged base first): chr7-100806479-C-CA. GRCh37 (hg19) VCF-style: chr7-100404101-C-CA.
Other names: short protein forms V809fs.
Identifiers: ClinVar variation 3075947 (VCV003075947.1), dbSNP rs2485000657, ClinGen allele CA2777161849.
Genomic context (GRCh38, chr7:100,806,479, plus strand): 5'-CGTCCTGATTGCTCATGTCCCAGTACGGCCTCTCCCCAAATGACATCACCTCCCACATCA[C>CA]AATCCCGTAACTCCAGGCATCACTGGCGGAAGTGAACTTCCGGAAGGCAATGGCCTCCGG-3'